The following is an entry in ClinVar:

NM_152618.3(BBS12):c.1432C>G (p.Pro478Ala)

Gene: BBS12 (Bardet-Biedl syndrome 12; plus strand). Cytogenetic location: 4q27.
Variant type: single nucleotide variant.
Coding change: c.1432C>G on transcript NM_152618.3 (MANE Select); coding-DNA position 1432, C replaced by G.
Protein change: p.Pro478Ala; replaces proline 478 with alanine.
Molecular consequence: missense variant.
Genome position (GRCh38, 1-based): chr4:122,743,324, C>G. VCF-style: chr4-122743324-C-G. GRCh37 (hg19) VCF-style: chr4-123664479-C-G.
Other names: c.1432C>G, p.Pro478Ala (NM_001178007.2); short protein forms P478A.
Identifiers: ClinVar variation 3344508 (VCV003344508.1).

ClinVar aggregate classification (germline): Uncertain significance (0 of 4 stars; one submission).

Conditions:
BBS12-related disorder. Also called: BBS12-related condition.

gnomAD v4.1: 2 of 1,614,000 alleles (0.00012%); highest among the groups gnomAD compares: Non-Finnish European, 0.00017%; no homozygotes.

Submission:

PreventionGenetics, part of Exact Sciences
Classification: Uncertain significance for BBS12-related condition. Last evaluated: 2024-08-16. Review status: no assertion criteria provided. Collection method: clinical testing. Allele origin: germline.
Comment: The BBS12 c.1432C>G variant is predicted to result in the amino acid substitution p.Pro478Ala. To our knowledge, this variant has not been reported in the literature or in a large population database, indicating this variant is rare. At this time, the clinical significance of this variant is uncertain due to the absence of conclusive functional and genetic evidence.